The following is an entry in ClinVar:

NM_032193.4(RNASEH2C):c.40G>C (p.Val14Leu)

Genes: RNASEH2C (ribonuclease H2 subunit C; minus strand), LOC130006061 (ATAC-STARR-seq lymphoblastoid silent region 3553; plus strand). Cytogenetic location: 11q13.1.
Variant type: single nucleotide variant.
Coding change: c.40G>C on transcript NM_032193.4 (MANE Select); coding-DNA position 40, G replaced by C.
Protein change: p.Val14Leu; replaces valine 14 with leucine.
Molecular consequence: missense variant.
Genome position (GRCh38, 1-based): chr11:65,720,719, C>G on the plus strand (G>C on the coding strand, the complement: RNASEH2C is on the minus strand). VCF-style: chr11-65720719-C-G. GRCh37 (hg19) VCF-style: chr11-65488190-C-G.
Other names: short protein forms V14L.
Identifiers: ClinVar variation 2190433 (VCV002190433.3), dbSNP rs1857362913, ClinGen allele CA381299623.

ClinVar aggregate classification (germline): Uncertain significance (1 of 4 stars; one submission).

Conditions:
Aicardi-Goutieres syndrome 3. Identifiers: Orphanet 51, MedGen C1835916, MONDO:0012471, OMIM 610329.

Allele frequency attached by ClinVar (database versions not stated): gnomAD exomes below 0.00001.
gnomAD v4.1: 1 of 1,597,850 alleles (0.000063%); highest among the groups gnomAD compares: Non-Finnish European, 0.000085%; no homozygotes.

Submission:

Labcorp Genetics (formerly Invitae), Labcorp
Classification: Uncertain significance for Aicardi-Goutieres syndrome 3. Last evaluated: 2024-12-02. Review status: criteria provided, single submitter. Criteria: Invitae Variant Classification Sherloc (09022015). Collection method: clinical testing. Allele origin: germline.
Comment: This sequence change replaces valine, which is neutral and non-polar, with leucine, which is neutral and non-polar, at codon 14 of the RNASEH2C protein (p.Val14Leu). This variant is not present in population databases (gnomAD no frequency). This variant has not been reported in the literature in individuals affected with RNASEH2C-related conditions. ClinVar contains an entry for this variant (Variation ID: 2190433). An algorithm developed to predict the effect of missense changes on protein structure and function (PolyPhen-2) suggests that this variant¬†is likely to be tolerated. In summary, the available evidence is currently insufficient to determine the role of this variant in disease. Therefore, it has been classified as a Variant of Uncertain Significance.